The following is an entry in ClinVar:

ClinVar aggregate classification (germline): Pathogenic. Review status: criteria provided, multiple submitters, no conflicts (2 of 4 stars). 9 submissions from 9 submitters: Pathogenic (5). 4 of the submissions do not count toward it. Last evaluated 2025-09-25.

Conditions:
CTPS1-related disorder. Also called: CTPS1-related condition.
Combined immunodeficiency due to CTPS1 deficiency. Also called: Severe combined immunodeficiency due to CTPS1 deficiency; Immunodeficiency 24. Identifiers: Orphanet 420573, MedGen C4014617, MONDO:0014391, OMIM 615897.

Allele frequency attached by ClinVar (database versions not stated): ExAC 0.00010; gnomAD exomes 0.00010; gnomAD 0.00015; TOPMed 0.00019; ESP Exome Variant Server 0.00023.
gnomAD v4.1: 908 of 1,611,348 alleles (0.056%); highest among the groups gnomAD compares: Non-Finnish European, 0.076%; 1 homozygote.

Submissions (11):

Labcorp Genetics (formerly Invitae), Labcorp
Classification: Pathogenic for Combined immunodeficiency due to CTPS1 deficiency. Last evaluated: 2025-09-25. Review status: criteria provided, single submitter. Criteria: Invitae Variant Classification Sherloc (09022015). Collection method: clinical testing. Allele origin: germline.
Comment: This sequence change affects an acceptor splice site in intron 17 of the CTPS1 gene. While this variant is not anticipated to result in nonsense mediated decay, it likely alters RNA splicing and results in a disrupted protein product. This variant is present in population databases (rs145092287, gnomAD 0.02%). Disruption of this splice site has been observed in individual(s) with combined immunodeficiency (PMID: 24870241, 27638562, 32161190). It has also been observed to segregate with disease in related individuals. ClinVar contains an entry for this variant (Variation ID: 140454). Variants that disrupt the consensus splice site are a relatively common cause of aberrant splicing (PMID: 17576681, 9536098). Studies have shown that disruption of this splice site alters mRNA splicing and is expected to lead to the loss of protein expression (PMID: 24870241). For these reasons, this variant has been classified as Pathogenic.

GeneDx
Classification: Pathogenic. Last evaluated: 2024-09-10. Review status: criteria provided, single submitter. Criteria: GeneDx Variant Classification Process June 2021. Collection method: clinical testing. Allele origin: germline. Affected: yes.
Comment: Canonical splice site variant predicted to result in a null allele in a gene for which loss of function is a known mechanism of disease; This variant is associated with the following publications: (PMID: 24870241, 27638562, 34758253, 27543071, 31345272, 35983265, 32812031, 32161190)

Blueprint Genetics
Classification: Pathogenic for CTPS1-related disorders. Last evaluated: 2024-05-03. Review status: criteria provided, single submitter. Criteria: ACMG Guidelines, 2015. Collection method: clinical testing. Allele origin: germline. Affected: yes. Observed: 5 variant alleles.

AiLife Diagnostics
Classification: Pathogenic. Last evaluated: 2022-03-08. Review status: criteria provided, single submitter. Criteria: ACMG Guidelines, 2015. Collection method: clinical testing. Allele origin: germline. Affected: yes. Observed: 1 variant allele.

Baylor Genetics
Classification: Pathogenic for Combined immunodeficiency due to CTPS1 deficiency. Last evaluated: 2019-07-12. Review status: criteria provided, single submitter. Criteria: ACMG Guidelines, 2015. Collection method: clinical testing. Allele origin: unknown. Affected: yes.
Comment: This variant was determined to be pathogenic according to ACMG Guidelines, 2015 [PMID:25741868].

Genetic Services Laboratory, University of Chicago
Classification: Pathogenic. Last evaluated: 2022-09-16. Review status: no assertion criteria provided. Collection method: clinical testing. Allele origin: germline. Affected: yes. Not counted in ClinVar's aggregate classification.
Comment: DNA sequence analysis of the CTPS1 gene demonstrated a sequence change in the canonical splice acceptor site of intron 17, c.1692-1G>C. This sequence change is predicted to affect normal splicing of the CTPS1 gene and result in an abnormal/unstable protein. This sequence change has been previously described in the homozygous state in multiple individuals with CTPS1-related combined immunodeficiency (PMIDs: 24870241, 27638562, 32161190) and is reported to be a founder mutation in the northwest England population. Experimental studies have shown that this sequence change is responsible for reduced protein expression and may result in unstable protein lacking the last exon (PMIDs: 24870241, 32161190). This sequence change has been described in the gnomAD database with a frequency of 0.018% in the European subpopulation (dbSNP rs145092287). These collective evidences indicate that this sequence change is pathogenic.

Oxford Medical Genetics Laboratories, Oxford University Hospitals NHS Foundation Trust
Classification: Pathogenic for Combined immunodeficiency due to CTPS1 deficiency. Last evaluated: 2019-05-03. Review status: no assertion criteria provided. Collection method: clinical testing. Allele origin: inherited. Affected: yes. Not counted in ClinVar's aggregate classification.

OMIM
Classification: Pathogenic for IMMUNODEFICIENCY 24. Last evaluated: 2014-06-12. Review status: no assertion criteria provided. Collection method: literature only. Allele origin: germline. Not counted in ClinVar's aggregate classification.

Dr. Peter K. Rogan Lab, Western University
No classification provided (evidence only). Condition: Papillary renal cell carcinoma type 1. Review status: no classification provided. Collection method: in vitro. Allele origin: not applicable. Functional consequence: skipped exon, retained intron. Not counted in ClinVar's aggregate classification.

Dr. Peter K. Rogan Lab, Western University
No classification provided (evidence only). Condition: Ovarian serous cystadenocarcinoma. Review status: no classification provided. Collection method: in vitro. Allele origin: not applicable. Functional consequence: retained intron. Not counted in ClinVar's aggregate classification.

Genomics England Pilot Project, Genomics England
Classification: Pathogenic for Combined immunodeficiency due to CTPS1 deficiency. Review status: no assertion criteria provided. Criteria: ACGS Guidelines, 2016. Collection method: clinical testing. Allele origin: germline. Affected: yes. Not counted in ClinVar's aggregate classification.

Literature cited by the submitters: PubMed 24870241 (cited by 3 submitters); PubMed 27638562 (cited by Labcorp Genetics (formerly Invitae), Labcorp and AiLife Diagnostics); PubMed 32161190 (cited by Labcorp Genetics (formerly Invitae), Labcorp and AiLife Diagnostics); PubMed 17576681 (cited by Labcorp Genetics (formerly Invitae), Labcorp); PubMed 9536098 (cited by Labcorp Genetics (formerly Invitae), Labcorp).

NM_001905.4(CTPS1):c.1692-1G>C

Gene: CTPS1 (CTP synthase 1; plus strand). Cytogenetic location: 1p34.2.
Variant type: single nucleotide variant.
Coding change: c.1692-1G>C on transcript NM_001905.4 (MANE Select); the canonical splice acceptor site of the intron before coding-DNA position 1692, G replaced by C.
Molecular consequence: splice acceptor variant.
Genome position (GRCh38, 1-based): chr1:41,010,160, G>C. VCF-style: chr1-41010160-G-C. GRCh37 (hg19) VCF-style: chr1-41475832-G-C.
Other names: IVS17, G-C, -1 (rs145092287); c.1224-1G>C (NM_001301237.2).
Identifiers: ClinVar variation 140454 (VCV000140454.22), dbSNP rs145092287, ClinGen allele CA215010.
Genomic context (GRCh38, chr1:41,010,160, plus strand): 5'-AACAGGGACGTAAAGTGAGTTTTTGGTGGGAGATGATGCGTAAACCATCTGAATTCTACA[G>C]GGACACCTATAGTGACAGGAGTGGAAGCAGCTCCCCTGACTCTGAAATCACCGAACTGAA-3'